The following is an entry in ClinVar:

ClinVar aggregate classification (germline): Conflicting classifications of pathogenicity. Review status: criteria provided, conflicting classifications (1 of 4 stars). 6 submissions from 6 submitters: Likely pathogenic (2); Uncertain significance (4). Last evaluated 2026-01-23.

Conditions:
Biotinidase deficiency. Also called: Biotin deficiency; BTD deficiency; Late-onset biotin-responsive multiple carboxylase deficiency. Identifiers: Orphanet 79241, MedGen C0220754, MONDO:0009665, OMIM 253260.

Allele frequency attached by ClinVar (database versions not stated): gnomAD 0.00001; gnomAD exomes 0.00001; TOPMed 0.00001; ExAC 0.00002; ESP Exome Variant Server 0.00008.
gnomAD v4.1: 3 of 1,612,196 alleles (0.00019%); highest among the groups gnomAD compares: African/African-American, 0.004%; no homozygotes.

Submissions (6):

Dasa
Classification: Uncertain significance. Last evaluated: 2026-01-23. Review status: criteria provided, single submitter. Criteria: DASA Assertion Criteria. Collection method: clinical testing. Allele origin: germline.
Comment: NM_001370658.1(BTD):c.265G>C (p.Val89Leu) is a missense variant that results in the substitution of valine with leucine. The affected residue or protein region has prior evidence supporting clinical relevance. This variant is rare in population databases. Computational prediction algorithms are consistent with a deleterious effect. The currently available literature and clinical evidence are not sufficient to establish a definitive association between this variant and the reported condition. Therefore, this variant is classified as a variant of uncertain significance.

Labcorp Genetics (formerly Invitae), Labcorp
Classification: Likely pathogenic for Biotinidase deficiency. Last evaluated: 2026-01-11. Review status: criteria provided, single submitter. Criteria: Invitae Variant Classification Sherloc (09022015). Collection method: clinical testing. Allele origin: germline.
Comment: This sequence change replaces valine, which is neutral and non-polar, with leucine, which is neutral and non-polar, at codon 109 of the BTD protein (p.Val109Leu). This variant is present in population databases (rs372416959, gnomAD 0.01%). This missense change has been observed in individual(s) with partial biotinidase deficiency (internal data). In at least one individual the data is consistent with being in trans (on the opposite chromosome) from a pathogenic variant. ClinVar contains an entry for this variant (Variation ID: 801134). Invitae Evidence Modeling of protein sequence and biophysical properties (such as structural, functional, and spatial information, amino acid conservation, physicochemical variation, residue mobility, and thermodynamic stability) indicates that this missense variant is expected to disrupt BTD protein function with a positive predictive value of 95%. This variant disrupts the p.Val109 amino acid residue in BTD. Other variant(s) that disrupt this residue have been observed in individuals with BTD-related conditions (PMID: 11313766), which suggests that this may be a clinically significant amino acid residue. In summary, the currently available evidence indicates that the variant is pathogenic, but additional data are needed to prove that conclusively. Therefore, this variant has been classified as Likely Pathogenic.

GeneDx
Classification: Likely pathogenic. Last evaluated: 2025-10-28. Review status: criteria provided, single submitter. Criteria: GeneDx Variant Classification Process June 2021. Collection method: clinical testing. Allele origin: germline.
Comment: Not observed at significant frequency in large population cohorts (gnomAD); In silico analysis supports that this missense variant has a deleterious effect on protein structure/function; Has not been previously published as pathogenic or benign to our knowledge; This variant is associated with the following publications: (PMID: 11313766)

Myriad Genetics, Inc.
Classification: Uncertain significance for Biotinidase deficiency. Last evaluated: 2025-08-12. Review status: criteria provided, single submitter. Criteria: Myriad Autosomal Dominant, Autosomal Recessive and X-Linked Classification Criteria (2023). Collection method: clinical testing. Allele origin: unknown.
Comment: NM_000060.2(BTD):c.325G>C(V109L) is a missense variant classified as a variant of uncertain significance in the context of biotinidase deficiency. V109L has not been observed in cases with relevant disease. Relevant functional assessments of this variant are not available in the literature. V109L has been observed in referenced population frequency databases. In summary, there is insufficient evidence to classify NM_000060.2(BTD):c.325G>C(V109L) as pathogenic or benign. Please note: this variant was assessed in the context of healthy population screening.

Women's Health and Genetics/Laboratory Corporation of America, LabCorp
Classification: Uncertain significance. Last evaluated: 2025-04-15. Review status: criteria provided, single submitter. Criteria: LabCorp Variant Classification Summary - May 2015. Collection method: clinical testing. Allele origin: germline.
Comment: Variant summary: BTD c.265G>C (p.Val89Leu) results in a conservative amino acid change located in the Carbon-nitrogen hydrolase domain (IPR003010) of the encoded protein sequence. Four of five in-silico tools predict a damaging effect of the variant on protein function. The variant allele was found at a frequency of 8e-06 in 250008 control chromosomes. The available data on variant occurrences in the general population are insufficient to allow any conclusion about variant significance. To our knowledge, no occurrence of c.265G>C in individuals affected with Biotinidase Deficiency and no experimental evidence demonstrating its impact on protein function have been reported. ClinVar contains an entry for this variant (Variation ID: 801134). Based on the evidence outlined above, the variant was classified as uncertain significance.

Quest Diagnostics Nichols Institute San Juan Capistrano
Classification: Uncertain significance. Last evaluated: 2020-01-18. Review status: criteria provided, single submitter. Criteria: Quest Diagnostics criteria. Collection method: clinical testing. Allele origin: unknown.

Literature cited by the submitters: PubMed 11313766 (cited by Labcorp Genetics (formerly Invitae), Labcorp).

NM_001370658.1(BTD):c.265G>C (p.Val89Leu)

Gene: BTD (biotinidase; plus strand). Cytogenetic location: 3p25.1.
Variant type: single nucleotide variant.
Coding change: c.265G>C on transcript NM_001370658.1 (MANE Select); coding-DNA position 265, G replaced by C.
Protein change: p.Val89Leu; replaces valine 89 with leucine.
Molecular consequence: missense variant.
Genome position (GRCh38, 1-based): chr3:15,641,923, G>C. VCF-style: chr3-15641923-G-C. GRCh37 (hg19) VCF-style: chr3-15683430-G-C.
Other names: c.325G>C, p.Val109Leu (NM_000060.4); c.265G>C, p.Val89Leu (NM_001281723.4, NM_001281724.3, NM_001281725.3 and 36 more transcripts); c.328G>C, p.Val110Leu (NM_001407381.1); short protein forms V89L, V109L, V110L.
Identifiers: ClinVar variation 801134 (VCV000801134.12), dbSNP rs372416959, ClinGen allele CA2277295.